The following is an entry in ClinVar:

NC_000001.10:g.(?_2160206)_(2161194_?)dup

Gene: SKI (SKI proto-oncogene; plus strand). Cytogenetic location: 1p36.33.
Variant type: Duplication.
Identifiers: ClinVar variation 3247721 (VCV003247721.1).

ClinVar aggregate classification (germline): Uncertain significance (1 of 4 stars; one submission).

Conditions:
Shprintzen-Goldberg syndrome (SGS). Also called: SHPRINTZEN-GOLDBERG CRANIOSYNOSTOSIS SYNDROME; CRANIOSYNOSTOSIS WITH ARACHNODACTYLY AND ABDOMINAL HERNIAS; Marfanoid disorder with craniosynostosis type 1; Marfanoid craniosynostosis syndrome; Shprintzen-Goldberg marfanoid syndrome. Identifiers: Orphanet 2462, MedGen C1321551, MONDO:0008426, OMIM 182212.

Submission:

Labcorp Genetics (formerly Invitae), Labcorp
Classification: Uncertain significance for Shprintzen-Goldberg syndrome. Last evaluated: 2023-12-04. Review status: criteria provided, single submitter. Criteria: Invitae Variant Classification Sherloc (09022015). Collection method: clinical testing. Allele origin: unknown.
Comment: This variant results in a copy number gain of the genomic region encompassing exon(s) 1 of the SKI gene. This region includes the initiator codon of the gene. This copy number gain extends beyond the assayed region for this gene and therefore may encompass additional genes. As the precise location of this event is unknown, it may be in tandem or it may be located elsewhere in the genome. This variant has not been reported in the literature in individuals affected with SKI-related conditions. Experimental studies and prediction algorithms are not available or were not evaluated, and the functional significance of this variant is currently unknown. In summary, the available evidence is currently insufficient to determine the role of this variant in disease. Therefore, it has been classified as a Variant of Uncertain Significance.